The following is an entry in ClinVar:

ClinVar aggregate classification (germline): Uncertain significance (1 of 4 stars; one submission).

Submission:

Ambry Genetics
Classification: Uncertain significance. Last evaluated: 2026-01-22. Review status: criteria provided, single submitter. Criteria: Ambry Variant Classification Scheme 2023. Collection method: clinical testing. Allele origin: germline.
Comment: The p.S387R variant (also known as c.1161C>G), located in coding exon 6 of the GFI1 gene, results from a C to G substitution at nucleotide position 1161. The serine at codon 387 is replaced by arginine, an amino acid with dissimilar properties. This amino acid position is conserved. In addition, this alteration is predicted to be tolerated by in silico analysis. Based on the available evidence, the clinical significance of this variant remains unclear.

NM_005263.5(GFI1):c.1161C>G (p.Ser387Arg)

Genes: GFI1 (growth factor independent 1 transcriptional repressor; minus strand), LOC129930930 (ATAC-STARR-seq lymphoblastoid active region 1314; plus strand). Cytogenetic location: 1p22.1.
Variant type: single nucleotide variant.
Coding change: c.1161C>G on transcript NM_005263.5 (MANE Select); coding-DNA position 1161, C replaced by G.
Protein change: p.Ser387Arg; replaces serine 387 with arginine.
Molecular consequence: missense variant.
Genome position (GRCh38, 1-based): chr1:92,476,137, G>C on the plus strand (C>G on the coding strand, the complement: GFI1 is on the minus strand). VCF-style: chr1-92476137-G-C. GRCh37 (hg19) VCF-style: chr1-92941694-G-C.
Other names: c.1161C>G, p.Ser387Arg (NM_001127215.3, NM_001127216.3); short protein forms S387R.
Identifiers: ClinVar variation 4824846 (VCV004824846.1).
Genomic context (GRCh38, chr1:92,476,137, plus strand): 5'-CCTCTGGAAACCCTTCCCACAGAGGTCGCAGCCGAAGGGCTTGAAGCCTGTGTGTTTGCG[G>C]CTGTGGGTGATGAGGTTGGAGCTCTGGCTGAATGCCTTGCCGCACACCTGGCACTTGTGA-3'
Protein context (NP_005254.2, residues 377-397): FSQSSNLITH[Ser387Arg]RKHTGFKPFG